The following is an entry in ClinVar:

NM_004329.3(BMPR1A):c.-277T>C

Genes: BMPR1A (bone morphogenetic protein receptor type 1A; plus strand), LOC130004245 (ATAC-STARR-seq lymphoblastoid silent region 2573; plus strand). Cytogenetic location: 10q23.2.
Variant type: single nucleotide variant.
Coding change: c.-277T>C on transcript NM_004329.3 (MANE Select); 277 bases upstream of the start codon, T replaced by C.
Molecular consequence: 5 prime UTR variant.
Genome position (GRCh38, 1-based): chr10:86,756,910, T>C. VCF-style: chr10-86756910-T-C. GRCh37 (hg19) VCF-style: chr10-88516667-T-C.
Identifiers: ClinVar variation 512395 (VCV000512395.1), dbSNP rs1331916382, ClinGen allele CA658797462.

ClinVar aggregate classification (germline): Likely benign (1 of 4 stars; one submission).

Allele frequency attached by ClinVar (database versions not stated): TOPMed 0.00001 and 0.00002.

Submission:

GeneDx
Classification: Likely benign. Last evaluated: 2017-09-25. Review status: criteria provided, single submitter. Criteria: GeneDx Variant Classification (06012015). Collection method: clinical testing. Allele origin: germline. Affected: yes.
Comment: This variant is considered likely benign or benign based on one or more of the following criteria: it is a conservative change, it occurs at a poorly conserved position in the protein, it is predicted to be benign by multiple in silico algorithms, and/or has population frequency not consistent with disease.